The following is an entry in ClinVar:

NM_007294.4(BRCA1):c.2850_2851insC (p.Arg951fs)

Gene: BRCA1 (BRCA1 DNA repair associated; minus strand). Cytogenetic location: 17q21.31.
Variant type: Insertion.
Coding change: c.2850_2851insC on transcript NM_007294.4 (MANE Select); coding-DNA positions 2850 to 2851, C inserted.
Protein change: p.Arg951fs; shifts the reading frame from arginine 951.
Molecular consequence: frameshift variant. On other transcripts: intron variant (137).
Genome position: GRCh38 VCF-style: chr17-43092680-T-TG. GRCh37 (hg19) VCF-style: chr17-41244697-T-TG.
Other names: 2969insC; c.2727_2728insC, p.Arg910fs (NM_001407938.1, NM_001407939.1, NM_001407669.1 and 19 more transcripts); c.2724_2725insC, p.Arg909fs (NM_001407940.1, NM_001407941.1, NM_001407649.1 and 11 more transcripts); c.2709_2710insC, p.Arg904fs (NM_001407942.1, NM_001407944.1, NM_007297.4 and 29 more transcripts); c.2706_2707insC, p.Arg903fs (NM_001407943.1, NM_001407964.1, NM_001407749.1 and 20 more transcripts); c.2514_2515insC, p.Arg839fs (NM_001407955.1, NM_001407956.1, NM_001407958.1 and 1 more transcripts); c.2517_2518insC, p.Arg840fs (NM_001407957.1, NM_001407946.1, NM_001407947.1 and 6 more transcripts); c.2469_2470insC, p.Arg824fs (NM_001407959.1, NM_001407960.1, NM_001407963.1); and 42 more; short protein forms R904fs, R951fs, R862fs, R909fs, R783fs, R823fs, R839fs, R863fs.
Identifiers: ClinVar variation 266308 (VCV000266308.6), dbSNP rs886040077, ClinGen allele CA10589807.

ClinVar aggregate classification (germline): Pathogenic. Review status: reviewed by expert panel (3 of 4 stars). 2 submissions from 2 submitters: Pathogenic (1). 1 of the submissions does not count toward it. Last evaluated 2016-10-18.

Conditions:
Breast-ovarian cancer, familial, susceptibility to, 1 (BROVCA1). Also called: BRCA1 Hereditary Breast and Ovarian Cancer; OVARIAN CANCER, SUSCEPTIBILITY TO. Identifiers: Orphanet 145, MedGen C2676676, MONDO:0011450, OMIM 604370. Disease mechanism: loss of function.

Submissions (2):

Evidence-based Network for the Interpretation of Germline Mutant Alleles (ENIGMA)
Classification: Pathogenic for Breast-ovarian cancer, familial, susceptibility to, 1. Last evaluated: 2016-10-18. Review status: reviewed by expert panel. Criteria: ENIGMA BRCA1/2 Classification Criteria (2015). Collection method: curation. Allele origin: germline.
Comment: Variant allele predicted to encode a truncated non-functional protein.

Consortium of Investigators of Modifiers of BRCA1/2 (CIMBA), c/o University of Cambridge
Classification: Pathogenic for Breast-ovarian cancer, familial, susceptibility to, 1. Last evaluated: 2015-10-02. Review status: criteria provided, single submitter. Criteria: CIMBA Mutation Classification guidelines May 2016. Collection method: clinical testing. Allele origin: germline. Not counted in ClinVar's aggregate classification.